The following is an entry in ClinVar:

ClinVar aggregate classification (germline): Uncertain significance. Review status: criteria provided, multiple submitters, no conflicts (2 of 4 stars). 2 submissions from 2 submitters: Uncertain significance (2). Last evaluated 2022-09-20.

Conditions:
Duchenne muscular dystrophy (DMD). Also called: Duchenne Muscular Dystrophy (DMD); MUSCULAR DYSTROPHY, PSEUDOHYPERTROPHIC PROGRESSIVE, DUCHENNE TYPE. Identifiers: Orphanet 98896, MedGen C0013264, MONDO:0010679, OMIM 310200.

Allele frequency attached by ClinVar (database versions not stated): gnomAD exomes 0.00001.
gnomAD v4.1: 6 of 1,211,608 alleles (0.0005%); highest among the groups gnomAD compares: Non-Finnish European, 0.00067%; no homozygotes.

Submissions (2):

Labcorp Genetics (formerly Invitae), Labcorp
Classification: Uncertain significance for Duchenne muscular dystrophy. Last evaluated: 2022-09-20. Review status: criteria provided, single submitter. Criteria: Invitae Variant Classification Sherloc (09022015). Collection method: clinical testing. Allele origin: germline.
Comment: This sequence change replaces glutamic acid, which is acidic and polar, with aspartic acid, which is acidic and polar, at codon 1924 of the DMD protein (p.Glu1924Asp). This variant is not present in population databases (gnomAD no frequency). This variant has not been reported in the literature in individuals affected with DMD-related conditions. Advanced modeling of protein sequence and biophysical properties (such as structural, functional, and spatial information, amino acid conservation, physicochemical variation, residue mobility, and thermodynamic stability) performed at Invitae indicates that this missense variant is not expected to disrupt DMD protein function. In summary, the available evidence is currently insufficient to determine the role of this variant in disease. Therefore, it has been classified as a Variant of Uncertain Significance.

Blueprint Genetics
Classification: Uncertain significance. Last evaluated: 2021-02-18. Review status: criteria provided, single submitter. Criteria: ACMG Guidelines, 2015. Collection method: clinical testing. Allele origin: germline.

NM_004006.3(DMD):c.5772G>T (p.Glu1924Asp)

Gene: DMD (dystrophin; minus strand). Cytogenetic location: Xp21.1.
Variant type: single nucleotide variant.
Coding change: c.5772G>T on transcript NM_004006.3 (MANE Select); coding-DNA position 5772, G replaced by T.
Protein change: p.Glu1924Asp; replaces glutamic acid 1924 with aspartic acid.
Molecular consequence: missense variant.
Genome position (GRCh38, 1-based): chrX:32,342,250, C>A on the plus strand (G>T on the coding strand, the complement: DMD is on the minus strand). VCF-style: chrX-32342250-C-A. GRCh37 (hg19) VCF-style: chrX-32360367-C-A.
Other names: c.5748G>T, p.Glu1916Asp (NM_000109.4); c.5760G>T, p.Glu1920Asp (NM_004009.3); c.5403G>T, p.Glu1801Asp (NM_004010.3); c.1749G>T, p.Glu583Asp (NM_004011.4); c.1740G>T, p.Glu580Asp (NM_004012.4); short protein forms E1920D, E1801D, E1916D, E1924D, E580D, E583D.
Identifiers: ClinVar variation 2174012 (VCV002174012.2), dbSNP rs1569558911, ClinGen allele CA412665237.